The following is an entry in ClinVar:

ClinVar aggregate classification (germline): Likely benign. Review status: criteria provided, multiple submitters, no conflicts (2 of 4 stars). 2 submissions from 2 submitters: Likely benign (2). Last evaluated 2023-10-15.

Conditions:
Hereditary cancer-predisposing syndrome. Also called: Neoplastic Syndromes, Hereditary; Hereditary neoplastic syndrome; Tumor predisposition; Hereditary Cancer Syndrome. Identifiers: Orphanet 140162, MedGen C0027672, MeSH D009386, MONDO:0015356.

Allele frequency attached by ClinVar (database versions not stated): gnomAD exomes below 0.00001.

Submissions (2):

Ambry Genetics
Classification: Likely benign for Hereditary cancer-predisposing syndrome. Last evaluated: 2023-10-15. Review status: criteria provided, single submitter. Criteria: Ambry Variant Classification Scheme 2023. Collection method: clinical testing. Allele origin: germline.

CeGaT Center for Human Genetics Tuebingen
Classification: Likely benign. Last evaluated: 2022-04-01. Review status: criteria provided, single submitter. Criteria: CeGaT Center For Human Genetics Tuebingen Variant Classification Criteria Version 2. Collection method: clinical testing. Allele origin: germline. Affected: yes. Observed: 1 variant allele.
Comment: NF2: PM2:Supporting, BP4, BP7

NM_000268.4(NF2):c.450T>C (p.Tyr150=)

Gene: NF2 (NF2, moesin-ezrin-radixin like (MERLIN) tumor suppressor; plus strand). Cytogenetic location: 22q12.2.
Variant type: single nucleotide variant.
Coding change: c.450T>C on transcript NM_000268.4 (MANE Select); coding-DNA position 450, T replaced by C.
Protein change: p.Tyr150=; no amino-acid change (tyrosine 150 retained).
Molecular consequence: synonymous variant. On other transcripts: 5 prime UTR variant (1), intron variant (1).
Genome position (GRCh38, 1-based): chr22:29,654,659, T>C. VCF-style: chr22-29654659-T-C. GRCh37 (hg19) VCF-style: chr22-30050648-T-C.
Other names: c.336T>C, p.Tyr112= (NM_001407053.1, NM_001407056.1); c.327T>C, p.Tyr109= (NM_001407054.1, NM_001407058.1, NM_001407062.1 and 1 more transcripts); c.324T>C, p.Tyr108= (NM_001407055.1, NM_181828.3); c.450T>C, p.Tyr150= (NM_001407057.1, NM_001407059.1, NM_001407060.1 and 4 more transcripts); c.201T>C, p.Tyr67= (NM_001407063.1, NM_001407064.1, NM_181830.3 and 1 more transcripts); c.-191T>C (NM_001407065.1); c.219T>C, p.Tyr73= (NM_001407067.1); c.447+12374T>C (NM_181833.3).
Identifiers: ClinVar variation 1695041 (VCV001695041.32), dbSNP rs2146966255, ClinGen allele CA514181620.